The following is an entry in ClinVar:

NM_004795.4(KL):c.*1619T>C

Gene: KL (klotho; plus strand). Cytogenetic location: 13q13.1.
Variant type: single nucleotide variant.
Coding change: c.*1619T>C on transcript NM_004795.4 (MANE Select); 1619 bases downstream of the stop codon, T replaced by C.
Molecular consequence: 3 prime UTR variant.
Genome position (GRCh38, 1-based): chr13:33,065,805, T>C. VCF-style: chr13-33065805-T-C. GRCh37 (hg19) VCF-style: chr13-33639942-T-C.
Identifiers: ClinVar variation 311730 (VCV000311730.5), dbSNP rs114924800, ClinGen allele CA10639331.

ClinVar aggregate classification (germline): Benign (1 of 4 stars; one submission).

Conditions:
Tumoral calcinosis, hyperphosphatemic, familial, 3. Identifiers: MedGen C4693864, MONDO:0060715, OMIM 617994.

Allele frequency attached by ClinVar (database versions not stated): gnomAD exomes 0.00079; 1000 Genomes Project 0.00459; 1000 Genomes Project 30x 0.00500; gnomAD 0.00679 and 0.00745; TOPMed 0.00759.
gnomAD v4.1: 1,040 of 174,488 alleles (0.6%); highest among the groups gnomAD compares: African/African-American, 2.4%; 11 homozygotes.

Submission:

Illumina Laboratory Services, Illumina
Classification: Benign for Tumoral calcinosis, hyperphosphatemic, familial, 3. Last evaluated: 2018-01-13. Review status: criteria provided, single submitter. Criteria: ICSL Variant Classification Criteria 13 December 2019. Collection method: clinical testing. Allele origin: germline.
Comment: This variant was observed in the ICSL laboratory as part of a predisposition screen in an ostensibly healthy population. It had not been previously curated by ICSL or reported in the Human Gene Mutation Database (HGMD: prior to June 1st, 2018), and was therefore a candidate for classification through an automated scoring system. Utilizing variant allele frequency, disease prevalence and penetrance estimates, and inheritance mode, an automated score was calculated to assess if this variant is too frequent to cause the disease. Based on the score and internal cut-off values, a variant classified as benign is not then subjected to further curation. The score for this variant resulted in a classification of benign for this disease.